The following is an entry in ClinVar:

NM_000138.5(FBN1):c.6997+1G>C

Gene: FBN1 (fibrillin 1; minus strand). Cytogenetic location: 15q21.1.
Variant type: single nucleotide variant.
Coding change: c.6997+1G>C on transcript NM_000138.5 (MANE Select); the canonical splice donor site of the intron after coding-DNA position 6997, G replaced by C.
Molecular consequence: splice donor variant.
Genome position (GRCh38, 1-based): chr15:48,428,345, C>G on the plus strand (G>C on the coding strand, the complement: FBN1 is on the minus strand). VCF-style: chr15-48428345-C-G. GRCh37 (hg19) VCF-style: chr15-48720542-C-G.
Other names: c.6997+1G>C (NM_001406716.1).
Identifiers: ClinVar variation 852129 (VCV000852129.10), dbSNP rs2042997306, ClinGen allele CA392330392.

ClinVar aggregate classification (germline): Pathogenic (1 of 4 stars; one submission).

Conditions:
Familial thoracic aortic aneurysm and aortic dissection (TAAD). Also called: Thoracic aortic aneurysms and dissections. Identifiers: Orphanet 91387, MedGen C4707243, MONDO:0019625.
Marfan syndrome (MFS). Also called: FBN1-Related Marfan Syndrome; Marfan's syndrome; MARFAN SYNDROME, TYPE I; Marfan syndrome type 1; Marfan syndrome, classic. Identifiers: Orphanet 284963, Orphanet 558, MedGen C0024796, MONDO:0007947, OMIM 154700.

Submission:

Labcorp Genetics (formerly Invitae), Labcorp
Classification: Pathogenic for Marfan syndrome; Familial thoracic aortic aneurysm and aortic dissection. Last evaluated: 2019-03-05. Review status: criteria provided, single submitter. Criteria: Invitae Variant Classification Sherloc (09022015). Collection method: clinical testing. Allele origin: germline.
Comment: Disruption of this splice site has been observed in individuals affected with Marfan syndrome (PMID: 8894692, Invitae). This variant is not present in population databases (ExAC no frequency). This sequence change affects a donor splice site in intron 57 of the FBN1 gene. It is expected to disrupt RNA splicing and likely results in an absent or disrupted protein product. Algorithms developed to predict the effect of sequence changes on RNA splicing suggest that this variant may disrupt the consensus splice site, but this prediction has not been confirmed by published transcriptional studies. For these reasons, this variant has been classified as Pathogenic. Donor and acceptor splice site variants typically lead to a loss of protein function (PMID: 16199547), and loss-of-function variants in FBN1 are known to be pathogenic (PMID: 17657824, 19293843).

Literature cited by the submitters: PubMed 8894692; PubMed 16199547; PubMed 17657824; PubMed 19293843.